The following is an entry in ClinVar:

NM_018699.4(PRDM5):c.1624-339T>C

Gene: PRDM5 (PR/SET domain 5; minus strand). Cytogenetic location: 4q27.
Variant type: single nucleotide variant.
Coding change: c.1624-339T>C on transcript NM_018699.4 (MANE Select); 339 bases into the intron before coding-DNA position 1624, T replaced by C.
Molecular consequence: intron variant.
Genome position (GRCh38, 1-based): chr4:120,710,752, A>G on the plus strand (T>C on the coding strand, the complement: PRDM5 is on the minus strand). VCF-style: chr4-120710752-A-G. GRCh37 (hg19) VCF-style: chr4-121631907-A-G.
Other names: c.1445-339T>C (NM_001300824.2); c.1531-15477T>C (NM_001379106.1); c.1531-339T>C (NM_001300823.2); c.1657-339T>C (NM_001379104.1).
Identifiers: ClinVar variation 669469 (VCV000669469.1), dbSNP rs114750513, ClinGen allele CA15316908.

ClinVar aggregate classification (germline): Benign (1 of 4 stars; one submission).

Allele frequency attached by ClinVar (database versions not stated): 1000 Genomes Project 30x 0.06059; TOPMed 0.06239; 1000 Genomes Project 0.06250; gnomAD 0.06807 and 0.06868.
gnomAD v4.1: 10,460 of 152,016 alleles (6.9%); highest among the groups gnomAD compares: South Asian, 10%; 412 homozygotes.

Submission:

GeneDx
Classification: Benign. Last evaluated: 2018-06-14. Review status: criteria provided, single submitter. Criteria: GeneDx Variant Classification (06012015). Collection method: clinical testing. Allele origin: germline. Affected: yes.
Comment: This variant is considered likely benign or benign based on one or more of the following criteria: it is a conservative change, it occurs at a poorly conserved position in the protein, it is predicted to be benign by multiple in silico algorithms, and/or has population frequency not consistent with disease.